The following is an entry in ClinVar:

ClinVar aggregate classification (germline): Uncertain significance (1 of 4 stars; one submission).

Conditions:
Ullrich congenital muscular dystrophy 2 (UCMD2). Identifiers: Orphanet 75840, MedGen C4225314, MONDO:0014654, OMIM 616470.
Bethlem myopathy 2 (BTHLM2). Identifiers: Orphanet 536516, Orphanet 610, MedGen C4225313, MONDO:0034022, OMIM 616471.

Submission:

Labcorp Genetics (formerly Invitae), Labcorp
Classification: Uncertain significance for Bethlem myopathy 2; Ullrich congenital muscular dystrophy 2. Last evaluated: 2023-10-17. Review status: criteria provided, single submitter. Criteria: Invitae Variant Classification Sherloc (09022015). Collection method: clinical testing. Allele origin: germline.
Comment: This sequence change falls in intron 65 of the COL12A1 gene. It does not directly change the encoded amino acid sequence of the COL12A1 protein. It affects a nucleotide within the consensus splice site. This variant is not present in population databases (gnomAD no frequency). This variant has not been reported in the literature in individuals affected with COL12A1-related conditions. Variants that disrupt the consensus splice site are a relatively common cause of aberrant splicing (PMID: 17576681, 9536098). Algorithms developed to predict the effect of sequence changes on RNA splicing suggest that this variant is not likely to affect RNA splicing. In summary, the available evidence is currently insufficient to determine the role of this variant in disease. Therefore, it has been classified as a Variant of Uncertain Significance.

Literature cited by the submitters: PubMed 17576681; PubMed 9536098.

NM_004370.6(COL12A1):c.9181+4C>G

Gene: COL12A1 (collagen type XII alpha 1 chain; minus strand). Cytogenetic location: 6q13.
Variant type: single nucleotide variant.
Coding change: c.9181+4C>G on transcript NM_004370.6 (MANE Select); 4 bases into the intron after coding-DNA position 9181, C replaced by G.
Molecular consequence: intron variant.
Genome position (GRCh38, 1-based): chr6:75,087,573, G>C on the plus strand (C>G on the coding strand, the complement: COL12A1 is on the minus strand). VCF-style: chr6-75087573-G-C. GRCh37 (hg19) VCF-style: chr6-75797289-G-C.
Other names: c.5689+4C>G (NM_001424116.1, NM_080645.3); c.8908+4C>G (NM_001424115.1); c.9160+4C>G (NM_001424114.1); c.9181+4C>G (NM_001424113.1).
Identifiers: ClinVar variation 2952922 (VCV002952922.3), dbSNP rs774985994, ClinGen allele CA364732567.
Genomic context (GRCh38, chr6:75,087,573, plus strand): 5'-ACTTCATTTCCGTAAAGTTCTTTACTTCAGGTGAGTTGGGGTTCCTACAATGGCAACAAC[G>C]TACCTGGATAGCCTTGCCCGTTGTATGGGATGCTGGCACACTGAGAAGAATCACAGTATC-3'